The following is an entry in ClinVar:

ClinVar aggregate classification (germline): Uncertain significance. Review status: criteria provided, multiple submitters, no conflicts (2 of 4 stars). 3 submissions from 3 submitters: Uncertain significance (3). Last evaluated 2024-01-11.

Conditions:
Bailey-Bloch congenital myopathy (CMYO13). Also called: STAC3 disorder; Congenital myopathy 13; Native American myopathy. Identifiers: Orphanet 168572, MedGen C1850625, MONDO:0009722, OMIM 255995.

Allele frequency attached by ClinVar (database versions not stated): ESP Exome Variant Server 0.00008; gnomAD 0.00022 and 0.00024; TOPMed 0.00022; ExAC 0.00025; gnomAD exomes 0.00025 and 0.00027.
gnomAD v4.1: 404 of 1,613,916 alleles (0.025%); highest among the groups gnomAD compares: Middle Eastern, 0.2%; no homozygotes.

Submissions (3):

Labcorp Genetics (formerly Invitae), Labcorp
Classification: Uncertain significance for Bailey-Bloch congenital myopathy. Last evaluated: 2024-01-11. Review status: criteria provided, single submitter. Criteria: Invitae Variant Classification Sherloc (09022015). Collection method: clinical testing. Allele origin: germline.
Comment: This sequence change replaces glutamic acid, which is acidic and polar, with glycine, which is neutral and non-polar, at codon 74 of the STAC3 protein (p.Glu74Gly). This variant is present in population databases (rs199716296, gnomAD 0.2%). This variant has not been reported in the literature in individuals affected with STAC3-related conditions. ClinVar contains an entry for this variant (Variation ID: 534100). Advanced modeling of protein sequence and biophysical properties (such as structural, functional, and spatial information, amino acid conservation, physicochemical variation, residue mobility, and thermodynamic stability) performed at Invitae indicates that this missense variant is not expected to disrupt STAC3 protein function with a negative predictive value of 80%. In summary, the available evidence is currently insufficient to determine the role of this variant in disease. Therefore, it has been classified as a Variant of Uncertain Significance.

GeneDx
Classification: Uncertain significance. Last evaluated: 2022-11-29. Review status: criteria provided, single submitter. Criteria: GeneDx Variant Classification Process June 2021. Collection method: clinical testing. Allele origin: germline. Affected: yes.
Comment: In silico analysis supports that this missense variant does not alter protein structure/function; Has not been previously published as pathogenic or benign to our knowledge; This variant is associated with the following publications: (PMID: 27535533)

Mayo Clinic Laboratories, Mayo Clinic
Classification: Uncertain significance. Last evaluated: 2020-02-21. Review status: criteria provided, single submitter. Criteria: ACMG Guidelines, 2015. Collection method: clinical testing. Allele origin: germline. Observed: 1 variant allele.

NM_145064.3(STAC3):c.221A>G (p.Glu74Gly)

Gene: STAC3 (SH3 and cysteine rich domain 3; minus strand). Cytogenetic location: 12q13.3.
Variant type: single nucleotide variant.
Coding change: c.221A>G on transcript NM_145064.3 (MANE Select); coding-DNA position 221, A replaced by G.
Protein change: p.Glu74Gly; replaces glutamic acid 74 with glycine.
Molecular consequence: missense variant. On other transcripts: intron variant (1).
Genome position (GRCh38, 1-based): chr12:57,249,154, T>C on the plus strand (A>G on the coding strand, the complement: STAC3 is on the minus strand). VCF-style: chr12-57249154-T-C. GRCh37 (hg19) VCF-style: chr12-57642937-T-C.
Other names: c.104A>G, p.Glu35Gly (NM_001286256.2); c.-126-956A>G (NM_001286257.2); short protein forms E74G, E35G.
Identifiers: ClinVar variation 534100 (VCV000534100.18), dbSNP rs199716296, ClinGen allele CA6647221.
Genomic context (GRCh38, chr12:57,249,154, plus strand): 5'-TCTTTGAATTTGTGGGGCTTATCGTTGACCAGCTTAGGAGGTTCTGGGGGTGGCTCCTCC[T>C]CCTCCTCTTCTTCCTCTTCCTCTTCCTCATAGATGTAGTAGATGGGCCCACCCCCAGCTC-3'
Protein context (NP_659501.1, residues 64-84): YEEEEEEEEE[Glu74Gly]EEPPPEPPKL